The following is an entry in ClinVar:

NM_001134407.3(GRIN2A):c.422C>T (p.Thr141Met)

Gene: GRIN2A (glutamate ionotropic receptor NMDA type subunit 2A; minus strand). Cytogenetic location: 16p13.2.
Variant type: single nucleotide variant.
Coding change: c.422C>T on transcript NM_001134407.3 (MANE Select); coding-DNA position 422, C replaced by T.
Protein change: p.Thr141Met; replaces threonine 141 with methionine.
Molecular consequence: missense variant.
Genome position (GRCh38, 1-based): chr16:9,938,544, G>A on the plus strand (C>T on the coding strand, the complement: GRIN2A is on the minus strand). VCF-style: chr16-9938544-G-A. GRCh37 (hg19) VCF-style: chr16-10032401-G-A.
Other names: p.T141M:ACG>ATG; c.422C>T, p.Thr141Met (NM_000833.5, NM_001134408.2); short protein forms T141M.
Identifiers: ClinVar variation 205638 (VCV000205638.60), dbSNP rs78631453, ClinGen allele CA314914.

ClinVar aggregate classification (germline): Benign/Likely benign. Review status: criteria provided, multiple submitters, no conflicts (2 of 4 stars). 14 submissions from 14 submitters: Benign (4); Likely benign (6). 4 of the submissions do not count toward it. Last evaluated 2026-08-01.

Conditions:
GRIN2A-related complex neurodevelopmental disorder. Also called: GRIN2A-related disorder; GRIN2A-related condition. Identifiers: MedGen CN379781, MONDO:1060139.
Inborn genetic diseases. Identifiers: MedGen C0950123, MeSH D030342.
Landau-Kleffner syndrome (FESD). Also called: EPILEPSY, FOCAL, WITH SPEECH DISORDER AND WITH OR WITHOUT MENTAL RETARDATION; APHASIA, ACQUIRED, WITH EPILEPSY. Identifiers: Orphanet 1945, Orphanet 725, Orphanet 98818, MedGen C0282512, MONDO:0009509, OMIM 245570.

Allele frequency attached by ClinVar (database versions not stated): 1000 Genomes Project 0.00060; 1000 Genomes Project 30x 0.00062; TOPMed 0.00096; ESP Exome Variant Server 0.00110.
gnomAD v4.1: 2,407 of 1,603,046 alleles (0.15%); highest among the groups gnomAD compares: Non-Finnish European, 0.17%; 7 homozygotes.

Submissions (14):

CeGaT Center for Human Genetics Tuebingen
Classification: Likely benign. Last evaluated: 2026-08-01. Review status: criteria provided, single submitter. Criteria: CeGaT Center For Human Genetics Tuebingen Variant Classification Criteria Version 2. Collection method: clinical testing. Allele origin: germline. Affected: yes. Observed: 27 variant alleles.
Comment: GRIN2A: PP2, BP4, BS1

Labcorp Genetics (formerly Invitae), Labcorp
Classification: Likely benign for Landau-Kleffner syndrome. Last evaluated: 2026-01-28. Review status: criteria provided, single submitter. Criteria: Invitae Variant Classification Sherloc (09022015). Collection method: clinical testing. Allele origin: germline.

Blueprint Genetics
Classification: Likely benign. Last evaluated: 2024-11-22. Review status: criteria provided, single submitter. Criteria: ACMG Guidelines, 2015. Collection method: clinical testing. Allele origin: germline.

Fulgent Genetics
Classification: Likely benign for Landau-Kleffner syndrome. Last evaluated: 2021-10-29. Review status: criteria provided, single submitter. Criteria: ACMG Guidelines, 2015. Collection method: clinical testing. Allele origin: unknown.

Ambry Genetics
Classification: Benign for Inborn genetic diseases. Last evaluated: 2019-05-08. Review status: criteria provided, single submitter. Criteria: Ambry Variant Classification Scheme 2023. Collection method: clinical testing. Allele origin: germline.

Athena Diagnostics
Classification: Benign. Last evaluated: 2018-03-08. Review status: criteria provided, single submitter. Criteria: Athena Diagnostics Criteria. Collection method: clinical testing. Allele origin: germline.

Illumina Laboratory Services, Illumina
Classification: Benign for Landau-Kleffner syndrome. Last evaluated: 2018-01-13. Review status: criteria provided, single submitter. Criteria: ICSL Variant Classification Criteria 13 December 2019. Collection method: clinical testing. Allele origin: germline.
Comment: This variant was observed in the ICSL laboratory as part of a predisposition screen in an ostensibly healthy population. It had not been previously curated by ICSL or reported in the Human Gene Mutation Database (HGMD: prior to June 1st, 2018), and was therefore a candidate for classification through an automated scoring system. Utilizing variant allele frequency, disease prevalence and penetrance estimates, and inheritance mode, an automated score was calculated to assess if this variant is too frequent to cause the disease. Based on the score and internal cut-off values, a variant classified as benign is not then subjected to further curation. The score for this variant resulted in a classification of benign for this disease.

Eurofins Ntd Llc (ga)
Classification: Likely benign. Last evaluated: 2017-06-26. Review status: criteria provided, single submitter. Criteria: EGL Classification Definitions 2015. Collection method: clinical testing. Allele origin: germline. Observed: 3 variant alleles, 3 heterozygotes.

GeneDx
Classification: Benign. Last evaluated: 2016-12-13. Review status: criteria provided, single submitter. Criteria: GeneDx Variant Classification (06012015). Collection method: clinical testing. Allele origin: germline. Affected: yes.
Comment: This variant is considered likely benign or benign based on one or more of the following criteria: it is a conservative change, it occurs at a poorly conserved position in the protein, it is predicted to be benign by multiple in silico algorithms, and/or has population frequency not consistent with disease.

Genetic Services Laboratory, University of Chicago
Classification: Likely benign. Last evaluated: 2015-11-19. Review status: criteria provided, single submitter. Criteria: ACMG Guidelines, 2015. Collection method: clinical testing. Allele origin: germline. Affected: no.

PreventionGenetics, part of Exact Sciences
Classification: Likely benign for GRIN2A-related condition. Last evaluated: 2019-11-22. Review status: no assertion criteria provided. Collection method: clinical testing. Allele origin: germline. Not counted in ClinVar's aggregate classification.
Comment: This variant is classified as likely benign based on ACMG/AMP sequence variant interpretation guidelines (Richards et al. 2015 PMID: 25741868, with internal and published modifications).

Clinical Genetics DNA and cytogenetics Diagnostics Lab, Erasmus MC, Erasmus Medical Center
Classification: Likely benign. Review status: no assertion criteria provided. Collection method: clinical testing. Allele origin: germline. Affected: yes. Study: VKGL Data-share Consensus. Not counted in ClinVar's aggregate classification.

Diagnostic Laboratory, Department of Genetics, University Medical Center Groningen
Classification: Likely benign for Landau-Kleffner syndrome. Review status: no assertion criteria provided. Collection method: clinical testing. Allele origin: germline. Affected: yes. Study: VKGL Data-share Consensus. Not counted in ClinVar's aggregate classification.

Genome Diagnostics Laboratory, University Medical Center Utrecht
Classification: Likely benign. Review status: no assertion criteria provided. Collection method: clinical testing. Allele origin: germline. Affected: yes. Study: VKGL Data-share Consensus. Not counted in ClinVar's aggregate classification.

Literature cited by the submitters: PubMed 23933819 (cited by Ambry Genetics); PubMed 26220384 (cited by Ambry Genetics and Athena Diagnostics); PubMed 29124671 (cited by Athena Diagnostics).